The following is an entry in ClinVar:

ClinVar aggregate classification (germline): Likely pathogenic (1 of 4 stars; one submission).

Conditions:
Joubert syndrome 37. Identifiers: MedGen C5543064, MONDO:0030933, OMIM 619185.

Submission:

Neuberg Centre For Genomic Medicine, NCGM
Classification: Likely pathogenic for Joubert syndrome 37. Last evaluated: 2023-07-22. Review status: criteria provided, single submitter. Criteria: ACMG Guidelines, 2015. Collection method: clinical testing. Allele origin: germline. Inheritance: Autosomal recessive inheritance. Affected: yes.
Comment: The observed frameshift c.76delp.Ser26ValfsTer17 variant in TOGARAM1 gene has not been reported previously as a pathogenic variant nor a benign variant, to our knowledge. The p.Ser26ValfsTer17 variant is absent in gnomAD Exomes. This variant has not been submitted to the ClinVar database. This variant causes a frameshift starting with codon Serine 26, changes this amino acid to Valine residue, and creates a premature Stop codon at position 17 of the new reading frame, denoted p.Ser26ValfsTer17. This variant is predicted to cause loss of normal protein function through protein truncation. Loss of function variants have been previously reported to be disease causing. For these reasons, this variant has been classified as Likely Pathogenic.

NM_001308120.2(TOGARAM1):c.76del (p.Ser26fs)

Gene: TOGARAM1 (TOG array regulator of axonemal microtubules 1; plus strand). Cytogenetic location: 14q21.2.
Variant type: Deletion.
Coding change: c.76del on transcript NM_001308120.2 (MANE Select); coding-DNA position 76, one base deleted (A; older notation c.76delA).
Protein change: p.Ser26fs; shifts the reading frame from serine 26.
Molecular consequence: frameshift variant. On other transcripts: non-coding transcript variant (1).
Genome position (GRCh38, 1-based): chr14:44,962,497, A deleted. VCF-style (leftmost placement, unchanged base first): chr14-44962496-CA-C. GRCh37 (hg19) VCF-style: chr14-45431699-CA-C.
Other names: c.76del, p.Ser26fs (NM_015091.4); short protein forms S26fs.
Identifiers: ClinVar variation 3393417 (VCV003393417.1).